The following is an entry in ClinVar:

NM_000535.7(PMS2):c.1239_1240insT (p.Asp414Ter)

Gene: PMS2 (PMS1 homolog 2, mismatch repair system component; minus strand). Cytogenetic location: 7p22.1.
Variant type: Insertion.
Coding change: c.1239_1240insT on transcript NM_000535.7 (MANE Select); coding-DNA positions 1239 to 1240, T inserted.
Protein change: p.Asp414Ter; replaces aspartic acid 414 with a stop codon.
Molecular consequence: nonsense. On other transcripts: non-coding transcript variant (1).
Genome position: GRCh38 VCF-style: chr7-5987525-C-CA. GRCh37 (hg19) VCF-style: chr7-6027156-C-CA.
Other names: c.834_835insT, p.Asp279Ter (NM_001322003.2, NM_001322004.2, NM_001322005.2 and 1 more transcripts); c.1083_1084insT, p.Asp362Ter (NM_001322006.2); c.921_922insT, p.Asp308Ter (NM_001322007.2, NM_001322008.2); c.678_679insT, p.Asp227Ter (NM_001322010.2); c.306_307insT, p.Asp103Ter (NM_001322011.2, NM_001322012.2); c.666_667insT, p.Asp223Ter (NM_001322013.2); c.1239_1240insT, p.Asp414Ter (NM_001322014.2); c.930_931insT, p.Asp311Ter (NM_001322015.2); short protein forms D227*, D103*, D308*, D311*, D362*, D223*, D414*, D279*.
Identifiers: ClinVar variation 570785 (VCV000570785.8), dbSNP rs1562635799, ClinGen allele CA891842814.

ClinVar aggregate classification (germline): Pathogenic. Review status: criteria provided, multiple submitters, no conflicts (2 of 4 stars). 2 submissions from 2 submitters: Pathogenic (2). Last evaluated 2023-09-20.

Conditions:
Hereditary nonpolyposis colorectal neoplasms. Identifiers: MedGen C0009405, MeSH D003123.
Lynch syndrome 4 (LYNCH4). Also called: Hereditary non-polyposis colorectal cancer, type 4; Colorectal cancer, hereditary nonpolyposis, type 4. Identifiers: Orphanet 144, MedGen C1838333, MONDO:0013699, OMIM 614337. Disease mechanism: loss of function.

Submissions (2):

Myriad Genetics, Inc.
Classification: Pathogenic for Lynch syndrome 4. Last evaluated: 2023-09-20. Review status: criteria provided, single submitter. Criteria: Myriad Autosomal Dominant, Autosomal Recessive and X-Linked Classification Criteria (2023). Collection method: clinical testing. Allele origin: unknown.
Comment: This variant is considered pathogenic. This variant creates a termination codon and is predicted to result in premature protein truncation.

Labcorp Genetics (formerly Invitae), Labcorp
Classification: Pathogenic for Hereditary nonpolyposis colorectal neoplasms. Last evaluated: 2018-07-25. Review status: criteria provided, single submitter. Criteria: Invitae Variant Classification Sherloc (09022015). Collection method: clinical testing. Allele origin: germline.
Comment: This variant has not been reported in the literature in individuals with PMS2-related disease. Loss-of-function variants in PMS2 are known to be pathogenic (PMID: 21376568, 24362816). For these reasons, this variant has been classified as Pathogenic. This sequence change creates a premature translational stop signal (p.Asp414*) in the PMS2 gene. It is expected to result in an absent or disrupted protein product. This variant is not present in population databases (ExAC no frequency).

Literature cited by the submitters: PubMed 21376568 (cited by Labcorp Genetics (formerly Invitae), Labcorp); PubMed 24362816 (cited by Labcorp Genetics (formerly Invitae), Labcorp).